The following is an entry in ClinVar:

NM_003630.3(PEX3):c.892T>C (p.Phe298Leu)

Gene: PEX3 (peroxisomal biogenesis factor 3; plus strand). Cytogenetic location: 6q24.2.
Variant type: single nucleotide variant.
Coding change: c.892T>C on transcript NM_003630.3 (MANE Select); coding-DNA position 892, T replaced by C.
Protein change: p.Phe298Leu; replaces phenylalanine 298 with leucine.
Molecular consequence: missense variant.
Genome position (GRCh38, 1-based): chr6:143,479,149, T>C. VCF-style: chr6-143479149-T-C. GRCh37 (hg19) VCF-style: chr6-143800286-T-C.
Other names: short protein forms F298L.
Identifiers: ClinVar variation 2098879 (VCV002098879.4), dbSNP rs1584015129, ClinGen allele CA365886152.

ClinVar aggregate classification (germline): Uncertain significance (1 of 4 stars; one submission).

Submission:

Labcorp Genetics (formerly Invitae), Labcorp
Classification: Uncertain significance. Last evaluated: 2022-02-18. Review status: criteria provided, single submitter. Criteria: Invitae Variant Classification Sherloc (09022015). Collection method: clinical testing. Allele origin: germline.
Comment: This variant has not been reported in the literature in individuals affected with PEX3-related conditions. This variant is not present in population databases (gnomAD no frequency). This sequence change replaces phenylalanine, which is neutral and non-polar, with leucine, which is neutral and non-polar, at codon 298 of the PEX3 protein (p.Phe298Leu). Algorithms developed to predict the effect of missense changes on protein structure and function (SIFT, PolyPhen-2, Align-GVGD) all suggest that this variant is likely to be tolerated. In summary, the available evidence is currently insufficient to determine the role of this variant in disease. Therefore, it has been classified as a Variant of Uncertain Significance.